The following is an entry in ClinVar:

NM_004304.5(ALK):c.788-5T>C

Gene: ALK (ALK receptor tyrosine kinase; minus strand). Cytogenetic location: 2p23.2.
Variant type: single nucleotide variant.
Coding change: c.788-5T>C on transcript NM_004304.5 (MANE Select); 5 bases into the intron before coding-DNA position 788, T replaced by C.
Molecular consequence: intron variant.
Genome position (GRCh38, 1-based): chr2:29,695,019, A>G on the plus strand (T>C on the coding strand, the complement: ALK is on the minus strand). VCF-style: chr2-29695019-A-G. GRCh37 (hg19) VCF-style: chr2-29917885-A-G.
Identifiers: ClinVar variation 863979 (VCV000863979.11), dbSNP rs749234736, ClinGen allele CA1594851.

ClinVar aggregate classification (germline): Conflicting classifications of pathogenicity. Review status: criteria provided, conflicting classifications (1 of 4 stars). 3 submissions from 3 submitters: Uncertain significance (2); Likely benign (1). Last evaluated 2025-09-07.

Conditions:
Neuroblastoma, susceptibility to, 3. Also called: ALK-Related Neuroblastic Tumor Susceptibility. Identifiers: Orphanet 635, MedGen C2751681, MONDO:0013083, OMIM 613014.
Hereditary cancer-predisposing syndrome. Also called: Tumor predisposition; Hereditary Cancer Syndrome; Neoplastic Syndromes, Hereditary; Hereditary neoplastic syndrome. Identifiers: Orphanet 140162, MedGen C0027672, MeSH D009386, MONDO:0015356.

Allele frequency attached by ClinVar (database versions not stated): gnomAD exomes below 0.00001; ExAC 0.00001; gnomAD 0.00001; TOPMed 0.00001.
gnomAD v4.1: 2 of 1,613,946 alleles (0.00012%); highest among the groups gnomAD compares: African/African-American, 0.0027%; no homozygotes.

Submissions (3):

Labcorp Genetics (formerly Invitae), Labcorp
Classification: Likely benign for Neuroblastoma, susceptibility to, 3. Last evaluated: 2025-09-07. Review status: criteria provided, single submitter. Criteria: Invitae Variant Classification Sherloc (09022015). Collection method: clinical testing. Allele origin: germline.

GeneDx
Classification: Uncertain significance. Last evaluated: 2025-02-21. Review status: criteria provided, single submitter. Criteria: GeneDx Variant Classification Process June 2021. Collection method: clinical testing. Allele origin: germline. Affected: yes.
Comment: Not observed at significant frequency in large population cohorts (gnomAD); In silico analysis indicates that this variant does not alter splicing; Has not been previously published as pathogenic or benign to our knowledge

Ambry Genetics
Classification: Uncertain significance for Hereditary cancer-predisposing syndrome. Last evaluated: 2025-01-07. Review status: criteria provided, single submitter. Criteria: Ambry Variant Classification Scheme 2023. Collection method: clinical testing. Allele origin: germline.
Comment: The c.788-5T>C intronic variant results from a T to C substitution 5 nucleotides upstream from coding exon 3 in the ALK gene. This nucleotide position is highly conserved in available vertebrate species. In silico splice site analysis predicts that this alteration will not have any significant effect on splicing. Based on the available evidence, the clinical significance of this variant remains unclear.